The following is an entry in ClinVar:

ClinVar aggregate classification (germline): Uncertain significance (1 of 4 stars; one submission).

Submission:

CeGaT Center for Human Genetics Tuebingen
Classification: Uncertain significance. Last evaluated: 2024-01-01. Review status: criteria provided, single submitter. Criteria: CeGaT Center For Human Genetics Tuebingen Variant Classification Criteria Version 2. Collection method: clinical testing. Allele origin: germline. Affected: yes. Observed: 1 variant allele.
Comment: ORAI1: PM2, BP4

NM_032790.4(ORAI1):c.614A>G (p.Gln205Arg)

Gene: ORAI1 (ORAI calcium release-activated calcium modulator 1; plus strand). Cytogenetic location: 12q24.31.
Variant type: single nucleotide variant.
Coding change: c.614A>G on transcript NM_032790.4 (MANE Select); coding-DNA position 614, A replaced by G.
Protein change: p.Gln205Arg; replaces glutamine 205 with arginine.
Molecular consequence: missense variant. On other transcripts: non-coding transcript variant (1).
Genome position (GRCh38, 1-based): chr12:121,641,351, A>G. VCF-style: chr12-121641351-A-G. GRCh37 (hg19) VCF-style: chr12-122079257-A-G.
Other names: short protein forms Q205R.
Identifiers: ClinVar variation 3026534 (VCV003026534.22), dbSNP rs2503543950, ClinGen allele CA386983925.
Genomic context (GRCh38, chr12:121,641,351, plus strand): 5'-TGCTCTTCCTAGCTGAGGTGGTGCTGCTCTGCTGGGTCAAGTTCTTGCCCCTCAAGAAGC[A>G]GCCAGGCCAGCCAAGGCCCACCAGCAAGCCCCCCGCCAGTGGCGCAGCAGCCAACGTCAG-3'
Protein context (NP_116179.2, residues 195-215): CWVKFLPLKK[Gln205Arg]PGQPRPTSKP